The following is an entry in ClinVar:

ClinVar aggregate classification (germline): Likely benign. Review status: criteria provided, multiple submitters, no conflicts (2 of 4 stars). 2 submissions from 2 submitters: Likely benign (2). Last evaluated 2025-06-15.

Allele frequency attached by ClinVar (database versions not stated): TOPMed below 0.00001.
gnomAD v4.1: 17 of 1,608,750 alleles (0.0011%); highest among the groups gnomAD compares: Non-Finnish European, 0.0014%; no homozygotes.

Submissions (2):

Labcorp Genetics (formerly Invitae), Labcorp
Classification: Likely benign. Last evaluated: 2025-06-15. Review status: criteria provided, single submitter. Criteria: Invitae Variant Classification Sherloc (09022015). Collection method: clinical testing. Allele origin: germline.

CeGaT Center for Human Genetics Tuebingen
Classification: Likely benign. Last evaluated: 2022-10-01. Review status: criteria provided, single submitter. Criteria: CeGaT Center For Human Genetics Tuebingen Variant Classification Criteria Version 2. Collection method: clinical testing. Allele origin: germline. Affected: yes. Observed: 1 variant allele.
Comment: PIGB: BP4, BP7

NM_004855.5(PIGB):c.537G>A (p.Leu179=)

Gene: PIGB (phosphatidylinositol glycan anchor biosynthesis class B; plus strand). Cytogenetic location: 15q21.3.
Variant type: single nucleotide variant.
Coding change: c.537G>A on transcript NM_004855.5 (MANE Select); coding-DNA position 537, G replaced by A.
Protein change: p.Leu179=; no amino-acid change (leucine 179 retained).
Molecular consequence: synonymous variant.
Genome position (GRCh38, 1-based): chr15:55,329,738, G>A. VCF-style: chr15-55329738-G-A. GRCh37 (hg19) VCF-style: chr15-55621936-G-A.
Identifiers: ClinVar variation 2645364 (VCV002645364.26), dbSNP rs764709826, ClinGen allele CA270780259.
Genomic context (GRCh38, chr15:55,329,738, plus strand): 5'-TTTCCATTTCCAATTTCATATATGTTTGCTCTGTACTTTTTCTTAGTTTTTTTGCCAGTT[G>A]TGCTCCTGGTTCACATGGTATTGCTGTACCAGAACCCTTACAAACACCATGGAAACTGTT-3'
Protein context (NP_004846.4, residues 169-189): EVARWVFFCQ[Leu179=]CSWFTWYCCT